The following is an entry in ClinVar:

NM_000127.3(EXT1):c.651_664delinsTTT (p.Lys218fs)

Gene: EXT1 (exostosin glycosyltransferase 1; minus strand). Cytogenetic location: 8q24.11.
Variant type: Indel.
Coding change: c.651_664delinsTTT on transcript NM_000127.3 (MANE Select); coding-DNA positions 651 to 664, CAAAGCCAGCATCA replaced by TTT.
Protein change: p.Lys218fs; shifts the reading frame from lysine 218.
Molecular consequence: frameshift variant.
Genome position (GRCh38, 1-based): chr8:118,110,383-118,110,396, TGATGCTGGCTTTG replaced by AAA on the plus strand (CAAAGCCAGCATCA replaced by TTT on the coding strand, the reverse complement: EXT1 is on the minus strand). VCF-style: chr8-118110383-TGATGCTGGCTTTG-AAA. GRCh37 (hg19) VCF-style: chr8-119122622-TGATGCTGGCTTTG-AAA.
Other names: short protein forms K218fs.
Identifiers: ClinVar variation 965420 (VCV000965420.6), dbSNP rs1817873963, ClinGen allele CA1139660747.
Genomic context (GRCh38, chr8:118,110,383, plus strand): 5'-GATGATCCTTAGAAAAGAGGGGAATAGAAACATCAAAGTTGGGTCGGAAGTTTTCAGTAC[TGATGCTGGCTTTG>AAA]GCCAGCATCGCCTGGCCGATGTCAAACCCCACGTCCTCGGTGTAGTCAGGCCAAGTGCCG-3'

ClinVar aggregate classification (germline): Pathogenic (1 of 4 stars; one submission).

Conditions:
Multiple congenital exostosis (EXT). Also called: Hereditary multiple osteochondromas; MULTIPLE CARTILAGINOUS EXOSTOSES; Multiple exostoses; Hereditary multiple exostoses; Hereditary multiple exostosis; Multiple osteochondromas. Identifiers: Orphanet 321, MedGen C0015306, MONDO:0005508, HP:0002762.

Submission:

Labcorp Genetics (formerly Invitae), Labcorp
Classification: Pathogenic for Multiple congenital exostosis. Last evaluated: 2024-02-08. Review status: criteria provided, single submitter. Criteria: Invitae Variant Classification Sherloc (09022015). Collection method: clinical testing. Allele origin: germline.
Comment: This sequence change creates a premature translational stop signal (p.Lys218Leufs*3) in the EXT1 gene. It is expected to result in an absent or disrupted protein product. Loss-of-function variants in EXT1 are known to be pathogenic (PMID: 10679937, 11391482, 19810120). Information on the frequency of this variant in the gnomAD database is not available, as this variant may be reported differently in the database. This premature translational stop signal has been observed in individual(s) with multiple osteochondromas (PMID: 19839753, 24496678, 26961984). This variant is also known as p.Lys218fsX220. For these reasons, this variant has been classified as Pathogenic.

Literature cited by the submitters: PubMed 10679937; PubMed 11391482; PubMed 19810120; PubMed 19839753; PubMed 24496678; PubMed 26961984.